The following is an entry in ClinVar:

ClinVar aggregate classification (germline): Uncertain significance (1 of 4 stars; one submission).

Conditions:
Cataract 22 multiple types. Also called: CATARACT 22, NUCLEAR, AUTOSOMAL RECESSIVE; CATARACT 22, MULTIPLE TYPES, AUTOSOMAL DOMINANT; Cataract 22. Identifiers: Orphanet 91492, MedGen C1857853, MONDO:0012336, OMIM 609741.

Submission:

Labcorp Genetics (formerly Invitae), Labcorp
Classification: Uncertain significance for Cataract 22 multiple types. Last evaluated: 2025-03-19. Review status: criteria provided, single submitter. Criteria: Invitae Variant Classification Sherloc (09022015). Collection method: clinical testing. Allele origin: germline.
Comment: This sequence change replaces alanine, which is neutral and non-polar, with valine, which is neutral and non-polar, at codon 43 of the CRYBB3 protein (p.Ala43Val). This variant is present in population databases (no rsID available, gnomAD 0.006%). This variant has not been reported in the literature in individuals affected with CRYBB3-related conditions. An algorithm developed to predict the effect of missense changes on protein structure and function (PolyPhen-2) suggests that this variant is likely to be tolerated. In summary, the available evidence is currently insufficient to determine the role of this variant in disease. Therefore, it has been classified as a Variant of Uncertain Significance.

NM_004076.5(CRYBB3):c.128C>T (p.Ala43Val)

Gene: CRYBB3 (crystallin beta B3; plus strand). Cytogenetic location: 22q11.23.
Variant type: single nucleotide variant.
Coding change: c.128C>T on transcript NM_004076.5 (MANE Select); coding-DNA position 128, C replaced by T.
Protein change: p.Ala43Val; replaces alanine 43 with valine.
Molecular consequence: missense variant.
Genome position (GRCh38, 1-based): chr22:25,202,726, C>T. VCF-style: chr22-25202726-C-T. GRCh37 (hg19) VCF-style: chr22-25598693-C-T.
Other names: short protein forms A43V.
Identifiers: ClinVar variation 4772443 (VCV004772443.1).